The following is an entry in ClinVar:

ClinVar aggregate classification (germline): Uncertain significance (1 of 4 stars; one submission).

Conditions:
Papillon-Lefèvre syndrome (PALS). Also called: KERATOSIS PALMOPLANTARIS WITH PERIODONTOPATHIA; Papillon-Lefevre Disease. Identifiers: Orphanet 678, MedGen C0030360, MONDO:0009490, OMIM 245000.
Periodontitis, aggressive. Identifiers: MedGen C0031106, MONDO:0980757.
Haim-Munk syndrome (HMS). Also called: COCHIN JEWISH DISORDER; KERATOSIS PALMOPLANTARIS WITH PERIODONTOPATHIA AND ONYCHOGRYPOSIS. Identifiers: Orphanet 2342, MedGen C1855627, MONDO:0009491, OMIM 245010.

Submission:

Labcorp Genetics (formerly Invitae), Labcorp
Classification: Uncertain significance for Haim-Munk syndrome; Periodontitis, aggressive; Papillon-Lefèvre syndrome. Last evaluated: 2022-08-09. Review status: criteria provided, single submitter. Criteria: Invitae Variant Classification Sherloc (09022015). Collection method: clinical testing. Allele origin: germline.
Comment: In summary, the available evidence is currently insufficient to determine the role of this variant in disease. Therefore, it has been classified as a Variant of Uncertain Significance. Algorithms developed to predict the effect of missense changes on protein structure and function are either unavailable or do not agree on the potential impact of this missense change (SIFT: "Not Available"; PolyPhen-2: "Probably Damaging"; Align-GVGD: "Not Available"). ClinVar contains an entry for this variant (Variation ID: 1363483). This variant has not been reported in the literature in individuals affected with CTSC-related conditions. This variant is not present in population databases (gnomAD no frequency). This sequence change replaces isoleucine with threonine at codon 387 of the CTSC protein (p.Ile387Thr). The isoleucine residue is highly conserved and there is a moderate physicochemical difference between isoleucine and threonine.

NM_001814.6(CTSC):c.1160T>C (p.Ile387Thr)

Gene: CTSC (cathepsin C; minus strand). Cytogenetic location: 11q14.2.
Variant type: single nucleotide variant.
Coding change: c.1160T>C on transcript NM_001814.6 (MANE Select); coding-DNA position 1160, T replaced by C.
Protein change: p.Ile387Thr; replaces isoleucine 387 with threonine.
Molecular consequence: missense variant.
Genome position (GRCh38, 1-based): chr11:88,294,238, A>G on the plus strand (T>C on the coding strand, the complement: CTSC is on the minus strand). VCF-style: chr11-88294238-A-G. GRCh37 (hg19) VCF-style: chr11-88027406-A-G.
Other names: short protein forms I387T.
Identifiers: ClinVar variation 1363483 (VCV001363483.5), dbSNP rs2496529038, ClinGen allele CA382021736.